The following is an entry in ClinVar:

NM_021978.4(ST14):c.21C>T (p.Arg7=)

Gene: ST14 (ST14 transmembrane serine protease matriptase; plus strand). Cytogenetic location: 11q24.3.
Variant type: single nucleotide variant.
Coding change: c.21C>T on transcript NM_021978.4 (MANE Select); coding-DNA position 21, C replaced by T.
Protein change: p.Arg7=; no amino-acid change (arginine 7 retained).
Molecular consequence: synonymous variant.
Genome position (GRCh38, 1-based): chr11:130,160,000, C>T. VCF-style: chr11-130160000-C-T. GRCh37 (hg19) VCF-style: chr11-130029895-C-T.
Identifiers: ClinVar variation 2038778 (VCV002038778.19), dbSNP rs372702262, ClinGen allele CA6363381.

ClinVar aggregate classification (germline): Benign/Likely benign. Review status: criteria provided, multiple submitters, no conflicts (2 of 4 stars). 3 submissions from 3 submitters: Benign (1); Likely benign (2). Last evaluated 2025-07-30.

Allele frequency attached by ClinVar (database versions not stated): ExAC 0.00119; ESP Exome Variant Server 0.00119; gnomAD 0.00192; 1000 Genomes Project 30x 0.00375; 1000 Genomes Project 0.00479.
gnomAD v4.1: 703 of 1,414,390 alleles (0.05%); highest among the groups gnomAD compares: African/African-American, 0.71%; 8 homozygotes.

Submissions (3):

Labcorp Genetics (formerly Invitae), Labcorp
Classification: Benign. Last evaluated: 2025-07-30. Review status: criteria provided, single submitter. Criteria: Invitae Variant Classification Sherloc (09022015). Collection method: clinical testing. Allele origin: germline.

Blueprint Genetics
Classification: Likely benign. Last evaluated: 2024-11-13. Review status: criteria provided, single submitter. Criteria: ACMG Guidelines, 2015. Collection method: clinical testing. Allele origin: germline.

CeGaT Center for Human Genetics Tuebingen
Classification: Likely benign. Last evaluated: 2024-09-01. Review status: criteria provided, single submitter. Criteria: CeGaT Center For Human Genetics Tuebingen Variant Classification Criteria Version 2. Collection method: clinical testing. Allele origin: germline. Affected: yes. Observed: 1 variant allele.
Comment: ST14: BP4, BP7